The following is an entry in ClinVar:

ClinVar aggregate classification (germline): Uncertain significance. Review status: criteria provided, multiple submitters, no conflicts (2 of 4 stars). 6 submissions from 6 submitters: Uncertain significance (4). 2 of the submissions do not count toward it. Last evaluated 2025-03-31.

Conditions:
Inborn genetic diseases. Identifiers: MedGen C0950123, MeSH D030342.
Usher syndrome type 1C. Also called: USHER SYNDROME, TYPE I, ACADIAN VARIETY. Identifiers: Orphanet 231169, Orphanet 886, MedGen C1848604, MONDO:0010171, OMIM 276904.
Autosomal recessive nonsyndromic hearing loss 18A. Also called: DEAFNESS, AUTOSOMAL RECESSIVE 18; Deafness, autosomal recessive 18A. Identifiers: Orphanet 90636, MedGen C1865870, MONDO:0011192, OMIM 602092.

Allele frequency attached by ClinVar (database versions not stated): gnomAD 0.00004; TOPMed 0.00004; gnomAD exomes 0.00002 and 0.00005; ExAC 0.00004.

Submissions (6):

Ambry Genetics
Classification: Uncertain significance for Inborn genetic diseases. Last evaluated: 2025-03-31. Review status: criteria provided, single submitter. Criteria: Ambry Variant Classification Scheme 2023. Collection method: clinical testing. Allele origin: germline.

Labcorp Genetics (formerly Invitae), Labcorp
Classification: Uncertain significance. Last evaluated: 2024-12-24. Review status: criteria provided, single submitter. Criteria: Invitae Variant Classification Sherloc (09022015). Collection method: clinical testing. Allele origin: germline.
Comment: This sequence change replaces valine, which is neutral and non-polar, with isoleucine, which is neutral and non-polar, at codon 481 of the USH1C protein (p.Val481Ile). This variant is present in population databases (rs397517875, gnomAD 0.03%). This variant has not been reported in the literature in individuals affected with USH1C-related conditions. ClinVar contains an entry for this variant (Variation ID: 47998). An algorithm developed to predict the effect of missense changes on protein structure and function (PolyPhen-2) suggests that this variant is likely to be tolerated. In summary, the available evidence is currently insufficient to determine the role of this variant in disease. Therefore, it has been classified as a Variant of Uncertain Significance.

Blueprint Genetics
Classification: Uncertain significance. Last evaluated: 2024-04-08. Review status: criteria provided, single submitter. Criteria: ACMG Guidelines, 2015. Collection method: clinical testing. Allele origin: germline.

Laboratory for Molecular Medicine, Mass General Brigham Personalized Medicine
Classification: Uncertain significance. Last evaluated: 2011-03-08. Review status: criteria provided, single submitter. Criteria: LMM Criteria. Collection method: clinical testing. Allele origin: germline. Observed: 2 variant alleles.
Comment: The Val781Ile variant in USH1C has not been reported in the literature nor previ ously identified by our laboratory. Computational analyses (biochemical amino ac id properties, homology, PolyPhen2, SIFT, AlignGVGD) do not provide strong suppo rt for or against pathogenicity. In summary, the clinical significance of this v ariant cannot be determined with certainty at this time.

Natera, Inc.
Classification: Uncertain significance for Usher syndrome type 1C. Last evaluated: 2020-09-16. Review status: no assertion criteria provided. Collection method: clinical testing. Allele origin: germline. Not counted in ClinVar's aggregate classification.

Counsyl
Classification: Uncertain significance for Usher syndrome type 1C; Autosomal recessive nonsyndromic hearing loss 18A. Last evaluated: 2017-08-24. Review status: no assertion criteria provided. Collection method: clinical testing. Allele origin: unknown. Not counted in ClinVar's aggregate classification.

NM_153676.4(USH1C):c.2341G>A (p.Val781Ile)

Gene: USH1C (USH1 protein network component harmonin; minus strand). Cytogenetic location: 11p15.1.
Variant type: single nucleotide variant.
Coding change: c.2341G>A on transcript NM_153676.4 (MANE Select); coding-DNA position 2341, G replaced by A.
Protein change: p.Val781Ile; replaces valine 781 with isoleucine.
Molecular consequence: missense variant. On other transcripts: non-coding transcript variant (1).
Genome position (GRCh38, 1-based): chr11:17,501,090, C>T on the plus strand (G>A on the coding strand, the complement: USH1C is on the minus strand). VCF-style: chr11-17501090-C-T. GRCh37 (hg19) VCF-style: chr11-17522637-C-T.
Other names: c.1384G>A, p.Val462Ile (NM_001297764.2); c.1441G>A, p.Val481Ile (NM_005709.4); short protein forms V481I, V781I, V462I.
Identifiers: ClinVar variation 47998 (VCV000047998.16), dbSNP rs397517875, ClinGen allele CA142335.